The following is an entry in ClinVar:

ClinVar aggregate classification (germline): Uncertain significance. Review status: criteria provided, multiple submitters, no conflicts (2 of 4 stars). 2 submissions from 2 submitters: Uncertain significance (2). Last evaluated 2025-08-11.

Conditions:
Emery-Dreifuss muscular dystrophy 5, autosomal dominant (EDMD5). Also called: EMERY-DREIFUSS MUSCULAR DYSTROPHY 5. Identifiers: Orphanet 261, MedGen C2751805, MONDO:0013072, OMIM 612999.

Allele frequency attached by ClinVar (database versions not stated): ExAC 0.00001; TOPMed 0.00001; gnomAD exomes 0.00002 and 0.00003; gnomAD 0.00003.
gnomAD v4.1: 49 of 1,614,074 alleles (0.003%); highest among the groups gnomAD compares: East Asian, 0.0045%; no homozygotes.

Submissions (2):

Ambry Genetics
Classification: Uncertain significance. Last evaluated: 2025-08-11. Review status: criteria provided, single submitter. Criteria: Ambry Variant Classification Scheme 2023. Collection method: clinical testing. Allele origin: germline.

Labcorp Genetics (formerly Invitae), Labcorp
Classification: Uncertain significance for Emery-Dreifuss muscular dystrophy 5, autosomal dominant. Last evaluated: 2021-11-22. Review status: criteria provided, single submitter. Criteria: Invitae Variant Classification Sherloc (09022015). Collection method: clinical testing. Allele origin: germline.
Comment: This sequence change replaces methionine, which is neutral and non-polar, with valine, which is neutral and non-polar, at codon 4177 of the SYNE2 protein (p.Met4177Val). In summary, the available evidence is currently insufficient to determine the role of this variant in disease. Therefore, it has been classified as a Variant of Uncertain Significance. Algorithms developed to predict the effect of missense changes on protein structure and function output the following: SIFT: "Tolerated"; PolyPhen-2: "Benign"; Align-GVGD: "Class C0". The valine amino acid residue is found in multiple mammalian species, which suggests that this missense change does not adversely affect protein function. ClinVar contains an entry for this variant (Variation ID: 470923). This variant has not been reported in the literature in individuals affected with SYNE2-related conditions. This variant is present in population databases (rs772354856, gnomAD 0.004%).

NM_182914.3(SYNE2):c.12529A>G (p.Met4177Val)

Gene: SYNE2 (spectrin repeat containing nuclear envelope protein 2; plus strand). Cytogenetic location: 14q23.2.
Variant type: single nucleotide variant.
Coding change: c.12529A>G on transcript NM_182914.3 (MANE Select); coding-DNA position 12529, A replaced by G.
Protein change: p.Met4177Val; replaces methionine 4177 with valine.
Molecular consequence: missense variant.
Genome position (GRCh38, 1-based): chr14:64,107,527, A>G. VCF-style: chr14-64107527-A-G. GRCh37 (hg19) VCF-style: chr14-64574245-A-G.
Other names: c.12529A>G, p.Met4177Val (NM_015180.6); short protein forms M4177V.
Identifiers: ClinVar variation 470923 (VCV000470923.7), dbSNP rs772354856, ClinGen allele CA7222184.